The following is an entry in ClinVar:

NM_016169.4(SUFU):c.1232C>T (p.Thr411Met)

Gene: SUFU (SUFU negative regulator of hedgehog signaling; plus strand). Cytogenetic location: 10q24.32.
Variant type: single nucleotide variant.
Coding change: c.1232C>T on transcript NM_016169.4 (MANE Select); coding-DNA position 1232, C replaced by T.
Protein change: p.Thr411Met; replaces threonine 411 with methionine.
Molecular consequence: missense variant.
Genome position (GRCh38, 1-based): chr10:102,617,364, C>T. VCF-style: chr10-102617364-C-T. GRCh37 (hg19) VCF-style: chr10-104377121-C-T.
Other names: c.1232C>T, p.Thr411Met (NM_001178133.2); short protein forms T411M.
Identifiers: ClinVar variation 486528 (VCV000486528.19), dbSNP rs368020224, ClinGen allele CA5667904.

ClinVar aggregate classification (germline): Conflicting classifications of pathogenicity. Review status: criteria provided, conflicting classifications (1 of 4 stars). 6 submissions from 6 submitters: Uncertain significance (5); Likely benign (1). Last evaluated 2026-01-29.

Conditions:
Medulloblastoma (MDB). Also called: Medulloblastoma, somatic; MEDULLOBLASTOMA PREDISPOSITION SYNDROME. Identifiers: Orphanet 616, MedGen C0025149, MeSH D008527, MONDO:0007959, OMIM 155255, HP:0002885.
Gorlin syndrome. Also called: Basal cell nevus syndrome; Nevoid Basal Cell Carcinoma Syndrome. Identifiers: Orphanet 377, MedGen C0004779, MONDO:0007187.
Familial meningioma. Also called: Meningioma, familial, susceptibility to. Identifiers: Orphanet 263662, MedGen C3551915, MONDO:0011789, OMIM 607174.
Joubert syndrome 32 (JBTS32). Identifiers: MedGen C4540342, MONDO:0033309, OMIM 617757.
Hereditary cancer-predisposing syndrome. Also called: Tumor predisposition; Neoplastic Syndromes, Hereditary; Hereditary Cancer Syndrome; Hereditary neoplastic syndrome. Identifiers: Orphanet 140162, MedGen C0027672, MeSH D009386, MONDO:0015356.

Allele frequency attached by ClinVar (database versions not stated): ExAC 0.00003; gnomAD exomes 0.00004; TOPMed 0.00006; gnomAD 0.00010 and 0.00011; ESP Exome Variant Server 0.00015.

Submissions (6):

Labcorp Genetics (formerly Invitae), Labcorp
Classification: Uncertain significance for Gorlin syndrome; Medulloblastoma. Last evaluated: 2026-01-29. Review status: criteria provided, single submitter. Criteria: Invitae Variant Classification Sherloc (09022015). Collection method: clinical testing. Allele origin: germline.
Comment: This sequence change replaces threonine, which is neutral and polar, with methionine, which is neutral and non-polar, at codon 411 of the SUFU protein (p.Thr411Met). This variant is present in population databases (rs368020224, gnomAD 0.01%). This missense change has been observed in individual(s) with clinical features of SUFU-related conditions (PMID: 23826113). ClinVar contains an entry for this variant (Variation ID: 486528). Invitae Evidence Modeling of protein sequence and biophysical properties (such as structural, functional, and spatial information, amino acid conservation, physicochemical variation, residue mobility, and thermodynamic stability) indicates that this missense variant is not expected to disrupt SUFU protein function with a negative predictive value of 80%. Experimental studies have shown that this missense change does not substantially affect SUFU function (PMID: 23826113). In summary, the available evidence is currently insufficient to determine the role of this variant in disease. Therefore, it has been classified as a Variant of Uncertain Significance.

Center for Genomic Medicine, Rigshospitalet, Copenhagen University Hospital
Classification: Uncertain significance. Last evaluated: 2025-03-04. Review status: criteria provided, single submitter. Criteria: ACMG Guidelines, 2015. Collection method: clinical testing. Allele origin: germline.

GeneDx
Classification: Uncertain significance. Last evaluated: 2024-05-03. Review status: criteria provided, single submitter. Criteria: GeneDx Variant Classification Process June 2021. Collection method: clinical testing. Allele origin: germline. Affected: yes.
Comment: In silico analysis indicates that this missense variant does not alter protein structure/function; Published functional study demonstrates luciferase reporter activity comparable to wild-type (PMID: 23826113); This variant is associated with the following publications: (PMID: 12426310, 23826113, 26184317)

Baylor Genetics
Classification: Uncertain significance for Familial meningioma. Last evaluated: 2024-01-15. Review status: criteria provided, single submitter. Criteria: ACMG Guidelines, 2015. Collection method: clinical testing. Allele origin: unknown.

Ambry Genetics
Classification: Likely benign for Hereditary cancer-predisposing syndrome. Last evaluated: 2022-12-08. Review status: criteria provided, single submitter. Criteria: Ambry Variant Classification Scheme 2023. Collection method: clinical testing. Allele origin: germline.

Fulgent Genetics
Classification: Uncertain significance for Basal cell nevus syndrome 1; Medulloblastoma; Familial meningioma; Joubert syndrome 32. Last evaluated: 2018-10-31. Review status: criteria provided, single submitter. Criteria: ACMG Guidelines, 2015. Collection method: clinical testing. Allele origin: unknown.

Literature cited by the submitters: PubMed 23826113 (cited by Labcorp Genetics (formerly Invitae), Labcorp).